The following is an entry in ClinVar:

ClinVar aggregate classification (germline): Conflicting classifications of pathogenicity. Review status: criteria provided, conflicting classifications (1 of 4 stars). 3 submissions from 3 submitters: Uncertain significance (1); Likely benign (2). Last evaluated 2024-02-08.

Conditions:
Autosomal recessive limb-girdle muscular dystrophy type 2U. Also called: MUSCULAR DYSTROPHY, LIMB-GIRDLE, TYPE 2U; Muscular dystrophy-dystroglycanopathy (limb-girdle), type c, 7. Identifiers: Orphanet 352479, MedGen C5190987, MONDO:0014474, OMIM 616052.
Muscular dystrophy-dystroglycanopathy (congenital with brain and eye anomalies), type A, 7. Also called: WALKER-WARBURG SYNDROME OR MUSCLE-EYE-BRAIN DISEASE, ISPD-RELATED; Congenital muscular dystrophy-dystroglycanopathy with brain and eye anomalies, type A7. Identifiers: Orphanet 899, MedGen C3553330, MONDO:0013835, OMIM 614643.

Allele frequency attached by ClinVar (database versions not stated): gnomAD exomes below 0.00001.
gnomAD v4.1: 2 of 1,612,162 alleles (0.00012%); highest among the groups gnomAD compares: Admixed American, 0.0017%; no homozygotes.

Submissions (3):

Labcorp Genetics (formerly Invitae), Labcorp
Classification: Likely benign for Muscular dystrophy-dystroglycanopathy (congenital with brain and eye anomalies), type A, 7; Autosomal recessive limb-girdle muscular dystrophy type 2U. Last evaluated: 2024-02-08. Review status: criteria provided, single submitter. Criteria: Invitae Variant Classification Sherloc (09022015). Collection method: clinical testing. Allele origin: germline.

Eurofins Ntd Llc (ga)
Classification: Uncertain significance. Last evaluated: 2016-08-08. Review status: criteria provided, single submitter. Criteria: EGL Classification Definitions 2015. Collection method: clinical testing. Allele origin: germline. Observed: 1 variant allele, 1 heterozygote.

GeneDx
Classification: Likely benign. Last evaluated: 2016-04-27. Review status: criteria provided, single submitter. Criteria: GeneDx Variant Classification (06012015). Collection method: clinical testing. Allele origin: germline. Affected: yes.
Comment: This variant is considered likely benign or benign based on one or more of the following criteria: it is a conservative change, it occurs at a poorly conserved position in the protein, it is predicted to be benign by multiple in silico algorithms, and/or has population frequency not consistent with disease.

NM_001101426.4(CRPPA):c.261A>G (p.Val87=)

Gene: CRPPA (CDP-L-ribitol pyrophosphorylase A; minus strand). Cytogenetic location: 7p21.2.
Variant type: single nucleotide variant.
Coding change: c.261A>G on transcript NM_001101426.4 (MANE Select); coding-DNA position 261, A replaced by G.
Protein change: p.Val87=; no amino-acid change (valine 87 retained).
Molecular consequence: synonymous variant. On other transcripts: non-coding transcript variant (1).
Genome position (GRCh38, 1-based): chr7:16,406,334, T>C on the plus strand (A>G on the coding strand, the complement: CRPPA is on the minus strand). VCF-style: chr7-16406334-T-C. GRCh37 (hg19) VCF-style: chr7-16445959-T-C.
Other names: c.261A>G, p.Val87= (NM_001101417.4, NM_001368197.1).
Identifiers: ClinVar variation 290142 (VCV000290142.7), dbSNP rs886044356, ClinGen allele CA10606660.